The following is an entry in ClinVar:

ClinVar aggregate classification (germline): Pathogenic (1 of 4 stars; one submission).

Conditions:
Ellis-van Creveld syndrome (EVC). Also called: EVC-Related Ellis-van Creveld Syndrome; EVC2-Related Ellis-van Creveld Syndrome; MESOECTODERMAL DYSPLASIA; Chondroectodermal dysplasia. Identifiers: Orphanet 289, MedGen C0013903, MONDO:0009162, OMIM 225500.
Curry-Hall syndrome (WAD). Also called: WEYERS ACRODENTAL DYSOSTOSIS. Identifiers: Orphanet 952, MedGen C0457013, MONDO:0008673, OMIM 193530.

Submission:

Labcorp Genetics (formerly Invitae), Labcorp
Classification: Pathogenic for Curry-Hall syndrome; Ellis-van Creveld syndrome. Last evaluated: 2022-08-24. Review status: criteria provided, single submitter. Criteria: Invitae Variant Classification Sherloc (09022015). Collection method: clinical testing. Allele origin: germline.
Comment: For these reasons, this variant has been classified as Pathogenic. This variant has not been reported in the literature in individuals affected with EVC2-related conditions. This variant is not present in population databases (gnomAD no frequency). This sequence change creates a premature translational stop signal (p.Gln686*) in the EVC2 gene. It is expected to result in an absent or disrupted protein product. Loss-of-function variants in EVC2 are known to be pathogenic (PMID: 17024374, 19810119, 19876929).

Literature cited by the submitters: PubMed 17024374; PubMed 19810119; PubMed 19876929.

NM_147127.5(EVC2):c.2056C>T (p.Gln686Ter)

Gene: EVC2 (EvC ciliary complex subunit 2; minus strand). Cytogenetic location: 4p16.2.
Variant type: single nucleotide variant.
Coding change: c.2056C>T on transcript NM_147127.5 (MANE Select); coding-DNA position 2056, C replaced by T.
Protein change: p.Gln686Ter; replaces glutamine 686 with a stop codon.
Molecular consequence: nonsense.
Genome position (GRCh38, 1-based): chr4:5,622,982, G>A on the plus strand (C>T on the coding strand, the complement: EVC2 is on the minus strand). VCF-style: chr4-5622982-G-A. GRCh37 (hg19) VCF-style: chr4-5624709-G-A.
Other names: c.1816C>T, p.Gln606Ter (NM_001166136.2); short protein forms Q606*, Q686*.
Identifiers: ClinVar variation 2026726 (VCV002026726.4), dbSNP rs2475376941, ClinGen allele CA356145591.